The following is an entry in ClinVar:

NM_006612.6(KIF1C):c.1049G>A (p.Cys350Tyr)

Gene: KIF1C (kinesin family member 1C; plus strand). Cytogenetic location: 17p13.2.
Variant type: single nucleotide variant.
Coding change: c.1049G>A on transcript NM_006612.6 (MANE Select); coding-DNA position 1049, G replaced by A.
Protein change: p.Cys350Tyr; replaces cysteine 350 with tyrosine.
Molecular consequence: missense variant.
Genome position (GRCh38, 1-based): chr17:5,004,884, G>A. VCF-style: chr17-5004884-G-A. GRCh37 (hg19) VCF-style: chr17-4908179-G-A.
Other names: short protein forms C350Y.
Identifiers: ClinVar variation 4809829 (VCV004809829.1).

ClinVar aggregate classification (germline): Uncertain significance (1 of 4 stars; one submission).

Conditions:
Spastic ataxia 2. Also called: Ataxia, spastic, 2, autosomal recessive. Identifiers: Orphanet 397946, MedGen C1969796, MONDO:0012651, OMIM 611302.

gnomAD v4.1: 16 of 1,614,136 alleles (0.00099%); highest among the groups gnomAD compares: Non-Finnish European, 0.00017%; no homozygotes.

Submission:

Labcorp Genetics (formerly Invitae), Labcorp
Classification: Uncertain significance for Spastic ataxia 2. Last evaluated: 2026-01-28. Review status: criteria provided, single submitter. Criteria: Invitae Variant Classification Sherloc (09022015). Collection method: clinical testing. Allele origin: germline.
Comment: This sequence change replaces cysteine, which is neutral and slightly polar, with tyrosine, which is neutral and polar, at codon 350 of the KIF1C protein (p.Cys350Tyr). This variant is present in population databases (rs148307470, gnomAD 0.03%). This variant has not been reported in the literature in individuals affected with KIF1C-related conditions. Invitae Evidence Modeling of protein sequence and biophysical properties (such as structural, functional, and spatial information, amino acid conservation, physicochemical variation, residue mobility, and thermodynamic stability) indicates that this missense variant is expected to disrupt KIF1C protein function with a positive predictive value of 80%. In summary, the available evidence is currently insufficient to determine the role of this variant in disease. Therefore, it has been classified as a Variant of Uncertain Significance.